The following is an entry in ClinVar:

ClinVar aggregate classification (germline): Uncertain significance (1 of 4 stars; one submission).

Conditions:
Epileptic encephalopathy. Identifiers: MedGen C0543888, HP:0200134.

Allele frequency attached by ClinVar (database versions not stated): gnomAD exomes below 0.00001.

Submission:

Labcorp Genetics (formerly Invitae), Labcorp
Classification: Uncertain significance for Epileptic encephalopathy. Last evaluated: 2020-05-21. Review status: criteria provided, single submitter. Criteria: Invitae Variant Classification Sherloc (09022015). Collection method: clinical testing. Allele origin: germline.
Comment: In summary, the available evidence is currently insufficient to determine the role of this variant in disease. Therefore, it has been classified as a Variant of Uncertain Significance. Algorithms developed to predict the effect of missense changes on protein structure and function (SIFT, PolyPhen-2, Align-GVGD) all suggest that this variant is likely to be tolerated, but these predictions have not been confirmed by published functional studies and their clinical significance is uncertain. This variant has not been reported in the literature in individuals with GABBR2-related conditions. This variant is not present in population databases (ExAC no frequency). This sequence change replaces glutamine with arginine at codon 147 of the GABBR2 protein (p.Gln147Arg). The glutamine residue is weakly conserved and there is a small physicochemical difference between glutamine and arginine.

NM_005458.8(GABBR2):c.440A>G (p.Gln147Arg)

Gene: GABBR2 (gamma-aminobutyric acid type B receptor subunit 2; minus strand). Cytogenetic location: 9q22.33.
Variant type: single nucleotide variant.
Coding change: c.440A>G on transcript NM_005458.8 (MANE Select); coding-DNA position 440, A replaced by G.
Protein change: p.Gln147Arg; replaces glutamine 147 with arginine.
Molecular consequence: missense variant.
Genome position (GRCh38, 1-based): chr9:98,577,954, T>C on the plus strand (A>G on the coding strand, the complement: GABBR2 is on the minus strand). VCF-style: chr9-98577954-T-C. GRCh37 (hg19) VCF-style: chr9-101340236-T-C.
Other names: short protein forms Q147R.
Identifiers: ClinVar variation 1046699 (VCV001046699.8), dbSNP rs1828944019, ClinGen allele CA374349998.